The following is an entry in ClinVar:

NM_007175.8(ERLIN2):c.862G>C (p.Ala288Pro)

Gene: ERLIN2 (ER lipid raft associated 2; plus strand). Cytogenetic location: 8p11.23.
Variant type: single nucleotide variant.
Coding change: c.862G>C on transcript NM_007175.8 (MANE Select); coding-DNA position 862, G replaced by C.
Protein change: p.Ala288Pro; replaces alanine 288 with proline.
Molecular consequence: missense variant.
Genome position (GRCh38, 1-based): chr8:37,753,957, G>C. VCF-style: chr8-37753957-G-C. GRCh37 (hg19) VCF-style: chr8-37611475-G-C.
Other names: c.862G>C (NM_007175.6); c.862G>C, p.Ala288Pro (NM_001362878.2); short protein forms A288P.
Identifiers: ClinVar variation 1383576 (VCV001383576.10), dbSNP rs907287913, ClinGen allele CA175024690.

ClinVar aggregate classification (germline): Uncertain significance. Review status: criteria provided, multiple submitters, no conflicts (2 of 4 stars). 3 submissions from 3 submitters: Uncertain significance (3). Last evaluated 2023-10-16.

Conditions:
Inborn genetic diseases. Identifiers: MedGen C0950123, MeSH D030342.
Spastic paraplegia. Identifiers: MedGen C0037772, HP:0001258.

Allele frequency attached by ClinVar (database versions not stated): gnomAD exomes below 0.00001; gnomAD 0.00001; TOPMed 0.00001.
gnomAD v4.1: 5 of 1,613,336 alleles (0.00031%); highest among the groups gnomAD compares: Non-Finnish European, 0.00042%; no homozygotes.

Submissions (3):

GeneDx
Classification: Uncertain significance. Last evaluated: 2023-10-16. Review status: criteria provided, single submitter. Criteria: GeneDx Variant Classification Process June 2021. Collection method: clinical testing. Allele origin: germline. Affected: yes.
Comment: Not observed at significant frequency in large population cohorts (gnomAD); In silico analysis supports that this missense variant has a deleterious effect on protein structure/function; Has not been previously published as pathogenic or benign to our knowledge; This variant is associated with the following publications: (PMID: 21330303)

Ambry Genetics
Classification: Uncertain significance for Inborn genetic diseases. Last evaluated: 2022-05-26. Review status: criteria provided, single submitter. Criteria: Ambry Variant Classification Scheme 2023. Collection method: clinical testing. Allele origin: germline.

Labcorp Genetics (formerly Invitae), Labcorp
Classification: Uncertain significance for Spastic paraplegia. Last evaluated: 2021-08-10. Review status: criteria provided, single submitter. Criteria: Invitae Variant Classification Sherloc (09022015). Collection method: clinical testing. Allele origin: germline.
Comment: This sequence change replaces alanine with proline at codon 288 of the ERLIN2 protein (p.Ala288Pro). The alanine residue is highly conserved and there is a small physicochemical difference between alanine and proline. This variant is not present in population databases (ExAC no frequency). This variant has been observed in individual(s) with autosomal dominant hereditary spastic paraplegia (Invitae). It has also been observed to segregate with disease in related individuals. Algorithms developed to predict the effect of missense changes on protein structure and function (SIFT, PolyPhen-2, Align-GVGD) all suggest that this variant is likely to be disruptive. In summary, the available evidence is currently insufficient to determine the role of this variant in disease. Therefore, it has been classified as a Variant of Uncertain Significance.